The following is an entry in ClinVar:

NM_000628.5(IL10RB):c.841T>G (p.Phe281Val)

Genes: IL10RB (interleukin 10 receptor subunit beta; plus strand), IFNAR2-IL10RB (IFNAR2-IL10RB readthrough; plus strand). Cytogenetic location: 21q22.11.
Variant type: single nucleotide variant.
Coding change: c.841T>G on transcript NM_000628.5 (MANE Select); coding-DNA position 841, T replaced by G.
Protein change: p.Phe281Val; replaces phenylalanine 281 with valine.
Molecular consequence: missense variant.
Genome position (GRCh38, 1-based): chr21:33,296,220, T>G. VCF-style: chr21-33296220-T-G. GRCh37 (hg19) VCF-style: chr21-34668525-T-G.
Other names: short protein forms F281V.
Identifiers: ClinVar variation 953284 (VCV000953284.1), dbSNP rs2082965287, ClinGen allele CA410096215.

ClinVar aggregate classification (germline): Uncertain significance (1 of 4 stars; one submission).

Conditions:
Inflammatory bowel disease 25. Also called: Inflammatory bowel disease 25, early onset, autosomal recessive. Identifiers: Orphanet 238569, MedGen C2675508, MONDO:0012941, OMIM 612567.

Allele frequency attached by ClinVar (database versions not stated): gnomAD exomes below 0.00001.
gnomAD v4.1: 2 of 1,614,198 alleles (0.00012%); highest among the groups gnomAD compares: Middle Eastern, 0.033%; no homozygotes.

Submission:

Labcorp Genetics (formerly Invitae), Labcorp
Classification: Uncertain significance for Inflammatory bowel disease 25, autosomal recessive. Last evaluated: 2019-08-24. Review status: criteria provided, single submitter. Criteria: Invitae Variant Classification Sherloc (09022015). Collection method: clinical testing. Allele origin: germline.
Comment: This sequence change replaces phenylalanine with valine at codon 281 of the IL10RB protein (p.Phe281Val). The phenylalanine residue is moderately conserved and there is a small physicochemical difference between phenylalanine and valine. This variant is not present in population databases (ExAC no frequency). This variant has not been reported in the literature in individuals with IL10RB-related conditions. Algorithms developed to predict the effect of missense changes on protein structure and function (SIFT, PolyPhen-2, Align-GVGD) all suggest that this variant is likely to be tolerated, but these predictions have not been confirmed by published functional studies and their clinical significance is uncertain. In summary, the available evidence is currently insufficient to determine the role of this variant in disease. Therefore, it has been classified as a Variant of Uncertain Significance.